The following is an entry in ClinVar:

NM_001297.5(CNGB1):c.2979G>A (p.Gly993=)

Gene: CNGB1 (cyclic nucleotide gated channel subunit beta 1; minus strand). Cytogenetic location: 16q21.
Variant type: single nucleotide variant.
Coding change: c.2979G>A on transcript NM_001297.5 (MANE Select); coding-DNA position 2979, G replaced by A.
Protein change: p.Gly993=; no amino-acid change (glycine 993 retained).
Molecular consequence: synonymous variant.
Genome position (GRCh38, 1-based): chr16:57,897,912, C>T on the plus strand (G>A on the coding strand, the complement: CNGB1 is on the minus strand). VCF-style: chr16-57897912-C-T. GRCh37 (hg19) VCF-style: chr16-57931816-C-T.
Other names: c.2961G>A, p.Gly987= (NM_001286130.2); c.2979G>A (NM_001297.4).
Identifiers: ClinVar variation 1653113 (VCV001653113.11), dbSNP rs749626938, ClinGen allele CA8082724.

ClinVar aggregate classification (germline): Likely benign. Review status: criteria provided, multiple submitters, no conflicts (2 of 4 stars). 4 submissions from 4 submitters: Likely benign (4). Last evaluated 2026-01-19.

Conditions:
Retinal dystrophy. Also called: Inherited retinal dystrophy. Identifiers: Orphanet 71862, MedGen C0854723, MeSH D058499, MONDO:0019118, HP:0000556.
CNGB1-related disorder. Also called: CNGB1-related condition.

Allele frequency attached by ClinVar (database versions not stated): gnomAD 0.00001; TOPMed 0.00005; gnomAD exomes 0.00009; ExAC 0.00013.
gnomAD v4.1: 49 of 1,614,010 alleles (0.003%); highest among the groups gnomAD compares: East Asian, 0.096%; no homozygotes.

Submissions (4):

Labcorp Genetics (formerly Invitae), Labcorp
Classification: Likely benign. Last evaluated: 2026-01-19. Review status: criteria provided, single submitter. Criteria: Invitae Variant Classification Sherloc (09022015). Collection method: clinical testing. Allele origin: germline.

PreventionGenetics, part of Exact Sciences
Classification: Likely benign for CNGB1-related condition. Last evaluated: 2025-10-22. Review status: criteria provided, single submitter. Criteria: ACMG Guidelines, 2015. Collection method: clinical testing. Allele origin: germline.
Comment: This variant is classified as likely benign based on ACMG/AMP sequence variant interpretation guidelines (Richards et al. 2015 PMID: 25741868, with internal and published modifications).

Dept Of Ophthalmology, Nagoya University
Classification: Likely benign for Retinal dystrophy. Last evaluated: 2023-10-01. Review status: criteria provided, single submitter. Criteria: Submitter's publication. Collection method: research. Allele origin: germline. Affected: yes.

Blueprint Genetics
Classification: Likely benign. Last evaluated: 2023-08-11. Review status: criteria provided, single submitter. Criteria: ACMG Guidelines, 2015. Collection method: clinical testing. Allele origin: germline.